The following is an entry in ClinVar:

NM_001145809.2(MYH14):c.590C>T (p.Thr197Ile)

Gene: MYH14 (myosin heavy chain 14; plus strand). Cytogenetic location: 19q13.33.
Variant type: single nucleotide variant.
Coding change: c.590C>T on transcript NM_001145809.2 (MANE Select); coding-DNA position 590, C replaced by T.
Protein change: p.Thr197Ile; replaces threonine 197 with isoleucine.
Molecular consequence: missense variant.
Genome position (GRCh38, 1-based): chr19:50,223,110, C>T. VCF-style: chr19-50223110-C-T. GRCh37 (hg19) VCF-style: chr19-50726367-C-T.
Other names: c.590C>T, p.Thr197Ile (NM_001077186.2, NM_024729.4); short protein forms T197I.
Identifiers: ClinVar variation 3682773 (VCV003682773.3).
Genomic context (GRCh38, chr19:50,223,110, plus strand): 5'-AGATGACATATTCCCCCACTCTGTCCCCTACAGATCGTGAGGACCAGTCCATTCTCTGCA[C>T]GTGAGTAATCTGGAAGGACTTCCTGGAGGAGGAGAGGTCTGGGTGGGGCGTGGCTGTGTT-3'
Protein context (NP_001139281.1, residues 187-207): QDREDQSILC[Thr197Ile]GESGAGKTEN

ClinVar aggregate classification (germline): Uncertain significance. Review status: criteria provided, multiple submitters, no conflicts (2 of 4 stars). 2 submissions from 2 submitters: Uncertain significance (2). Last evaluated 2024-09-15.

Submissions (2):

Labcorp Genetics (formerly Invitae), Labcorp
Classification: Uncertain significance. Last evaluated: 2024-09-15. Review status: criteria provided, single submitter. Criteria: Invitae Variant Classification Sherloc (09022015). Collection method: clinical testing. Allele origin: germline.
Comment: This sequence change replaces threonine, which is neutral and polar, with isoleucine, which is neutral and non-polar, at codon 197 of the MYH14 protein (p.Thr197Ile). This variant is present in population databases (rs781109986, gnomAD 0.008%). This variant has not been reported in the literature in individuals affected with MYH14-related conditions. An algorithm developed to predict the effect of missense changes on protein structure and function (PolyPhen-2) suggests that this variant is likely to be disruptive. In summary, the available evidence is currently insufficient to determine the role of this variant in disease. Therefore, it has been classified as a Variant of Uncertain Significance.

Blueprint Genetics
Classification: Uncertain significance. Last evaluated: 2023-06-07. Review status: criteria provided, single submitter. Criteria: ACMG Guidelines, 2015. Collection method: clinical testing. Allele origin: germline.